The following is an entry in ClinVar:

ClinVar aggregate classification (germline): Benign/Likely benign. Review status: criteria provided, multiple submitters, no conflicts (2 of 4 stars). 10 submissions from 10 submitters: Benign (2); Likely benign (5). 3 of the submissions do not count toward it. Last evaluated 2025-11-25.

Conditions:
Phosphoribosylpyrophosphate synthetase superactivity. Identifiers: Orphanet 3222, MedGen C1970827, MONDO:0010395, OMIM 300661.
Hearing loss, X-linked 1 (DFNX1). Also called: DFNX1 Nonsyndromic Sensorineural Hearing Loss (DFN2); DFNX1 Nonsyndromic Hearing Loss and Deafness; DEAFNESS, X-LINKED 1; DEAFNESS, X-LINKED 2, SENSORINEURAL CONGENITAL. Identifiers: Orphanet 90625, MedGen C1844677, MONDO:0010577, OMIM 304500.
Arts syndrome (ARTS). Also called: MENTAL RETARDATION, X-LINKED, SYNDROMIC 18; MENTAL RETARDATION, X-LINKED, SYNDROMIC, ARTS TYPE; ARTS SYNDROME AND PHOSPHORIBOSYLPYROPHOSPHATE SYNTHETASE SUPERACTIVITY. Identifiers: Orphanet 1187, MedGen C0796028, MONDO:0010533, OMIM 301835.
Charcot-Marie-Tooth disease X-linked recessive 5 (CMTX5). Also called: Charcot-Marie-Tooth Neuropathy X Type 5 (CMTX5); OPTIC ATROPHY, POLYNEUROPATHY, AND DEAFNESS; ROSENBERG-CHUTORIAN SYNDROME; Optic atrophy, neural deafness, and distal neurogenic amyotrophy. Identifiers: Orphanet 99014, MedGen C1839566, MONDO:0010699, OMIM 311070.
Nephrolithiasis/nephrocalcinosis. Identifiers: MedGen CN580796.
PRPS1-related disorder. Also called: PRPS1-related condition.
Charcot-Marie-Tooth Neuropathy X. Identifiers: MedGen CN118851.

Allele frequency attached by ClinVar (database versions not stated): TOPMed 0.00008; ExAC 0.00032; gnomAD exomes 0.00032 and 0.00039; gnomAD 0.00033 and 0.00035.
gnomAD v4.1: 377 of 1,210,794 alleles (0.031%); highest among the groups gnomAD compares: Non-Finnish European, 0.026%; 2 homozygotes.

Submissions (10):

Labcorp Genetics (formerly Invitae), Labcorp
Classification: Benign for Charcot-Marie-Tooth Neuropathy X. Last evaluated: 2025-11-25. Review status: criteria provided, single submitter. Criteria: Invitae Variant Classification Sherloc (09022015). Collection method: clinical testing. Allele origin: germline.

PreventionGenetics, part of Exact Sciences
Classification: Likely benign for PRPS1-related condition. Last evaluated: 2025-02-06. Review status: criteria provided, single submitter. Criteria: ACMG Guidelines, 2015. Collection method: clinical testing. Allele origin: germline.
Comment: This variant is classified as likely benign based on ACMG/AMP sequence variant interpretation guidelines (Richards et al. 2015 PMID: 25741868, with internal and published modifications).

Blueprint Genetics
Classification: Likely benign. Last evaluated: 2024-08-15. Review status: criteria provided, single submitter. Criteria: ACMG Guidelines, 2015. Collection method: clinical testing. Allele origin: germline.

Mayo Clinic Laboratories, Mayo Clinic
Classification: Benign. Last evaluated: 2024-04-24. Review status: criteria provided, single submitter. Criteria: ACMG Guidelines, 2015. Collection method: clinical testing. Allele origin: germline. Observed: 2 variant alleles.
Comment: BS1, BS2, BP4, BP7

Fulgent Genetics
Classification: Likely benign for Phosphoribosylpyrophosphate synthetase superactivity; Arts syndrome; Hearing loss, X-linked 1; Charcot-Marie-Tooth disease X-linked recessive 5. Last evaluated: 2022-02-09. Review status: criteria provided, single submitter. Criteria: ACMG Guidelines, 2015. Collection method: clinical testing. Allele origin: unknown.

Ambry Genetics
Classification: Likely benign for Nephrolithiasis/nephrocalcinosis. Last evaluated: 2019-07-11. Review status: criteria provided, single submitter. Criteria: Ambry Variant Classification Scheme 2023. Collection method: clinical testing. Allele origin: germline.

GeneDx
Classification: Likely benign. Last evaluated: 2017-04-20. Review status: criteria provided, single submitter. Criteria: GeneDx Variant Classification (06012015). Collection method: clinical testing. Allele origin: germline. Affected: yes.
Comment: This variant is considered likely benign or benign based on one or more of the following criteria: it is a conservative change, it occurs at a poorly conserved position in the protein, it is predicted to be benign by multiple in silico algorithms, and/or has population frequency not consistent with disease.

Clinical Genetics DNA and cytogenetics Diagnostics Lab, Erasmus MC, Erasmus Medical Center
Classification: Likely benign. Review status: no assertion criteria provided. Collection method: clinical testing. Allele origin: germline. Affected: yes. Study: VKGL Data-share Consensus. Not counted in ClinVar's aggregate classification.

Diagnostic Laboratory, Department of Genetics, University Medical Center Groningen
Classification: Likely benign. Review status: no assertion criteria provided. Collection method: clinical testing. Allele origin: germline. Affected: yes. Study: VKGL Data-share Consensus. Not counted in ClinVar's aggregate classification.

Genome Diagnostics Laboratory, University Medical Center Utrecht
Classification: Likely benign. Review status: no assertion criteria provided. Collection method: clinical testing. Allele origin: germline. Affected: yes. Study: VKGL Data-share Consensus. Not counted in ClinVar's aggregate classification.

NM_002764.4(PRPS1):c.573G>A (p.Leu191=)

Gene: PRPS1 (phosphoribosyl pyrophosphate synthetase 1; plus strand). Cytogenetic location: Xq22.3.
Variant type: single nucleotide variant.
Coding change: c.573G>A on transcript NM_002764.4 (MANE Select); coding-DNA position 573, G replaced by A.
Protein change: p.Leu191=; no amino-acid change (leucine 191 retained).
Molecular consequence: synonymous variant. On other transcripts: 5 prime UTR variant (1).
Genome position (GRCh38, 1-based): chrX:107,645,219, G>A. VCF-style: chrX-107645219-G-A. GRCh37 (hg19) VCF-style: chrX-106888449-G-A.
Other names: p.Leu191=; c.-40G>A (NM_001204402.2).
Identifiers: ClinVar variation 508528 (VCV000508528.19), dbSNP rs770518315, ClinGen allele CA10485659.